The following is an entry in ClinVar:

NM_007078.3(LDB3):c.705G>C (p.Lys235Asn)

Gene: LDB3 (LIM domain binding 3; plus strand). Cytogenetic location: 10q23.2.
Variant type: single nucleotide variant.
Coding change: c.705G>C on transcript NM_007078.3 (MANE Select); coding-DNA position 705, G replaced by C.
Protein change: p.Lys235Asn; replaces lysine 235 with asparagine.
Molecular consequence: missense variant.
Genome position (GRCh38, 1-based): chr10:86,691,911, G>C. VCF-style: chr10-86691911-G-C. GRCh37 (hg19) VCF-style: chr10-88451668-G-C.
Other names: c.564G>C, p.Lys188Asn (NM_001080114.2, NM_001080116.1, NM_001368066.1 and 2 more transcripts); c.705G>C, p.Lys235Asn (NM_001080115.2, NM_001368063.1, NM_001368064.1 and 1 more transcripts); c.909G>C, p.Lys303Asn (NM_001171610.2, NM_001171611.2); short protein forms K235N, K188N, K303N.
Identifiers: ClinVar variation 3665208 (VCV003665208.2).
Genomic context (GRCh38, chr10:86,691,911, plus strand): 5'-GGGCTCCAGCCTAGCCCTCGCCCACGGCCTCTCTCTGCATTACAGGAGCCTCCCTATTAA[G>C]GACCTTGCCGTAGACAGCGCCTCTCCCGTCTACCAGGCTGTGATTAAGAGCCAGAACAAG-3'
Protein context (NP_009009.1, residues 225-245): VGLPGGSLPI[Lys235Asn]DLAVDSASPV

ClinVar aggregate classification (germline): Uncertain significance (1 of 4 stars; one submission).

Conditions:
Myofibrillar myopathy 4. Also called: Zaspopathy (type). Identifiers: Orphanet 98912, MedGen C4721886, MONDO:0012277, OMIM 609452.

gnomAD v4.1: 2 of 1,614,042 alleles (0.00012%); highest among the groups gnomAD compares: Non-Finnish European, 0.00017%; no homozygotes.

Submission:

Labcorp Genetics (formerly Invitae), Labcorp
Classification: Uncertain significance for Myofibrillar myopathy 4. Last evaluated: 2024-12-23. Review status: criteria provided, single submitter. Criteria: Invitae Variant Classification Sherloc (09022015). Collection method: clinical testing. Allele origin: germline.
Comment: This sequence change replaces lysine, which is basic and polar, with asparagine, which is neutral and polar, at codon 188 of the LDB3 protein (p.Lys188Asn). This variant is present in population databases (no rsID available, gnomAD 0.007%). This variant has not been reported in the literature in individuals affected with LDB3-related conditions. An algorithm developed to predict the effect of missense changes on protein structure and function (PolyPhen-2) suggests that this variant is likely to be tolerated. In summary, the available evidence is currently insufficient to determine the role of this variant in disease. Therefore, it has been classified as a Variant of Uncertain Significance.